The following is an entry in ClinVar:

NM_001287.6(CLCN7):c.184G>A (p.Val62Met)

Gene: CLCN7 (chloride voltage-gated channel 7; minus strand). Cytogenetic location: 16p13.3.
Variant type: single nucleotide variant.
Coding change: c.184G>A on transcript NM_001287.6 (MANE Select); coding-DNA position 184, G replaced by A.
Protein change: p.Val62Met; replaces valine 62 with methionine.
Molecular consequence: missense variant. On other transcripts: intron variant (1).
Genome position (GRCh38, 1-based): chr16:1,465,296, C>T on the plus strand (G>A on the coding strand, the complement: CLCN7 is on the minus strand). VCF-style: chr16-1465296-C-T. GRCh37 (hg19) VCF-style: chr16-1515297-C-T.
Other names: c.184G>A (NM_001287.4); c.142-3622G>A (NM_001114331.3); short protein forms V62M.
Identifiers: ClinVar variation 1439282 (VCV001439282.7), dbSNP rs147640837, ClinGen allele CA276685882.

ClinVar aggregate classification (germline): Uncertain significance. Review status: criteria provided, multiple submitters, no conflicts (2 of 4 stars). 2 submissions from 2 submitters: Uncertain significance (2). Last evaluated 2025-11-10.

Conditions:
Inborn genetic diseases. Identifiers: MedGen C0950123, MeSH D030342.

Allele frequency attached by ClinVar (database versions not stated): gnomAD exomes below 0.00001 and 0.00001; gnomAD 0.00001 and 0.00003; TOPMed 0.00002; ESP Exome Variant Server 0.00008.

Submissions (2):

Labcorp Genetics (formerly Invitae), Labcorp
Classification: Uncertain significance. Last evaluated: 2025-11-10. Review status: criteria provided, single submitter. Criteria: Invitae Variant Classification Sherloc (09022015). Collection method: clinical testing. Allele origin: germline.
Comment: This sequence change replaces valine, which is neutral and non-polar, with methionine, which is neutral and non-polar, at codon 62 of the CLCN7 protein (p.Val62Met). This variant is present in population databases (rs147640837, gnomAD 0.002%). This variant has not been reported in the literature in individuals affected with CLCN7-related conditions. ClinVar contains an entry for this variant (Variation ID: 1439282). Invitae Evidence Modeling of protein sequence and biophysical properties (such as structural, functional, and spatial information, amino acid conservation, physicochemical variation, residue mobility, and thermodynamic stability) indicates that this missense variant is not expected to disrupt CLCN7 protein function with a negative predictive value of 95%. In summary, the available evidence is currently insufficient to determine the role of this variant in disease. Therefore, it has been classified as a Variant of Uncertain Significance.

Ambry Genetics
Classification: Uncertain significance for Inborn genetic diseases. Last evaluated: 2025-07-02. Review status: criteria provided, single submitter. Criteria: Ambry Variant Classification Scheme 2023. Collection method: clinical testing. Allele origin: germline.